The following is an entry in ClinVar:

NM_001205293.3(CACNA1E):c.704T>C (p.Phe235Ser)

Gene: CACNA1E (calcium voltage-gated channel subunit alpha1 E; plus strand). Cytogenetic location: 1q25.3.
Variant type: single nucleotide variant.
Coding change: c.704T>C on transcript NM_001205293.3 (MANE Select); coding-DNA position 704, T replaced by C.
Protein change: p.Phe235Ser; replaces phenylalanine 235 with serine.
Molecular consequence: missense variant.
Genome position (GRCh38, 1-based): chr1:181,579,159, T>C. VCF-style: chr1-181579159-T-C. GRCh37 (hg19) VCF-style: chr1-181548295-T-C.
Other names: c.704T>C, p.Phe235Ser (NM_000721.4, NM_001205294.2); short protein forms F235S.
Identifiers: ClinVar variation 3781245 (VCV003781245.1).
Genomic context (GRCh38, chr1:181,579,159, plus strand): 5'-TGAAGGCCATGGTACCTCTTCTGCAGATTGGCCTTCTGCTCTTCTTTGCCATCCTGATGT[T>C]TGCTATCATTGGTTTGGAGTTCTACAGTGGCAAGTTACATCGAGCATGCTTCATGAACAA-3'
Protein context (NP_001192222.1, residues 225-245): GLLLFFAILM[Phe235Ser]AIIGLEFYSG

ClinVar aggregate classification (germline): Uncertain significance (1 of 4 stars; one submission).

Submission:

GeneDx
Classification: Uncertain significance. Last evaluated: 2024-10-18. Review status: criteria provided, single submitter. Criteria: GeneDx Variant Classification Process June 2021. Collection method: clinical testing. Allele origin: germline. Affected: yes.
Comment: Not observed at significant frequency in large population cohorts (gnomAD); In silico analysis supports that this missense variant has a deleterious effect on protein structure/function; Has not been previously published as pathogenic or benign to our knowledge